The following is an entry in ClinVar:

ClinVar aggregate classification (germline): Uncertain significance. Review status: criteria provided, multiple submitters, no conflicts (2 of 4 stars). 2 submissions from 2 submitters: Uncertain significance (2). Last evaluated 2022-03-22.

Conditions:
Congenital muscular dystrophy due to integrin alpha-7 deficiency. Also called: MYOPATHY, CONGENITAL, DUE TO INTEGRIN ALPHA-7 DEFICIENCY; Congenital muscular dystrophy with integrin alpha-7 deficiency; Muscular dystrophy, congenital, due to ITGA7 deficiency. Identifiers: Orphanet 34520, MedGen C2750786, MONDO:0013177, OMIM 613204.

gnomAD v4.1: 41 of 1,613,900 alleles (0.0025%); highest among the groups gnomAD compares: East Asian, 0.0045%; no homozygotes.

Submissions (2):

Labcorp Genetics (formerly Invitae), Labcorp
Classification: Uncertain significance for Congenital muscular dystrophy due to integrin alpha-7 deficiency. Last evaluated: 2022-03-22. Review status: criteria provided, single submitter. Criteria: Invitae Variant Classification Sherloc (09022015). Collection method: clinical testing. Allele origin: germline.
Comment: This sequence change replaces arginine, which is basic and polar, with glutamine, which is neutral and polar, at codon 534 of the ITGA7 protein (p.Arg534Gln). This variant is present in population databases (rs774516318, gnomAD 0.005%). This variant has not been reported in the literature in individuals affected with ITGA7-related conditions. Algorithms developed to predict the effect of missense changes on protein structure and function are either unavailable or do not agree on the potential impact of this missense change (SIFT: "Tolerated"; PolyPhen-2: "Probably Damaging"; Align-GVGD: "Class C0"). In summary, the available evidence is currently insufficient to determine the role of this variant in disease. Therefore, it has been classified as a Variant of Uncertain Significance.

Revvity Omics, Revvity
Classification: Uncertain significance for Congenital muscular dystrophy due to integrin alpha-7 deficiency. Last evaluated: 2019-05-02. Review status: criteria provided, single submitter. Criteria: ACMG Guidelines, 2015. Collection method: clinical testing. Allele origin: germline.

NM_002206.3(ITGA7):c.1601G>A (p.Arg534Gln)

Gene: ITGA7 (integrin subunit alpha 7; minus strand). Cytogenetic location: 12q13.2.
Variant type: single nucleotide variant.
Coding change: c.1601G>A on transcript NM_002206.3 (MANE Select); coding-DNA position 1601, G replaced by A.
Protein change: p.Arg534Gln; replaces arginine 534 with glutamine.
Molecular consequence: missense variant.
Genome position (GRCh38, 1-based): chr12:55,697,035, C>T on the plus strand (G>A on the coding strand, the complement: ITGA7 is on the minus strand). VCF-style: chr12-55697035-C-T. GRCh37 (hg19) VCF-style: chr12-56090819-C-T.
Other names: c.1613G>A, p.Arg538Gln (NM_001144996.2); c.1322G>A, p.Arg441Gln (NM_001144997.2); c.1274G>A, p.Arg425Gln (NM_001367993.1); c.257G>A, p.Arg86Gln (NM_001367994.1); c.1583G>A, p.Arg528Gln (NM_001374465.1); c.1733G>A, p.Arg578Gln (NM_001410977.1); c.1595G>A, p.Arg532Gln (NM_001414029.1); c.1526G>A, p.Arg509Gln (NM_001414030.1); and 6 more; short protein forms R538Q, R86Q, R528Q, R425Q, R441Q, R534Q, R578Q, R421Q.
Identifiers: ClinVar variation 1368390 (VCV001368390.5), dbSNP rs774516318, ClinGen allele CA6615885.